The following is an entry in ClinVar:

NM_003612.5(SEMA7A):c.178+10G>A

Genes: SEMA7A (semaphorin 7A (JohnMiltonHagen blood group); minus strand), LOC130057537 (ATAC-STARR-seq lymphoblastoid silent region 6651; plus strand). Cytogenetic location: 15q24.1.
Variant type: single nucleotide variant.
Coding change: c.178+10G>A on transcript NM_003612.5 (MANE Select); 10 bases into the intron after coding-DNA position 178, G replaced by A.
Molecular consequence: intron variant.
Genome position (GRCh38, 1-based): chr15:74,433,731, C>T on the plus strand (G>A on the coding strand, the complement: SEMA7A is on the minus strand). VCF-style: chr15-74433731-C-T. GRCh37 (hg19) VCF-style: chr15-74726072-C-T.
Other names: c.178+10G>A (NM_001146029.3).
Identifiers: ClinVar variation 4989649 (VCV004989649.1).

ClinVar aggregate classification (germline): Likely benign (1 of 4 stars; one submission).

Conditions:
SEMA7A-related disorder. Also called: SEMA7A-related condition.

gnomAD v4.1: 15 of 1,425,872 alleles (0.0011%); highest among the groups gnomAD compares: South Asian, 0.018%; no homozygotes.

Submission:

PreventionGenetics, part of Exact Sciences
Classification: Likely benign for SEMA7A-related condition. Last evaluated: 2026-02-20. Review status: criteria provided, single submitter. Criteria: ACMG Guidelines, 2015. Collection method: clinical testing. Allele origin: germline.
Comment: This variant is classified as likely benign based on ACMG/AMP sequence variant interpretation guidelines (Richards et al. 2015 PMID: 25741868, with internal and published modifications).